The following is an entry in ClinVar:

NM_130466.4(UBE3B):c.1687A>G (p.Ile563Val)

Gene: UBE3B (ubiquitin protein ligase E3B; plus strand). Cytogenetic location: 12q24.11.
Variant type: single nucleotide variant.
Coding change: c.1687A>G on transcript NM_130466.4 (MANE Select); coding-DNA position 1687, A replaced by G.
Protein change: p.Ile563Val; replaces isoleucine 563 with valine.
Molecular consequence: missense variant.
Genome position (GRCh38, 1-based): chr12:109,509,660, A>G. VCF-style: chr12-109509660-A-G. GRCh37 (hg19) VCF-style: chr12-109947465-A-G.
Other names: c.1687A>G, p.Ile563Val (NM_183415.3); short protein forms I563V.
Identifiers: ClinVar variation 2721030 (VCV002721030.3), dbSNP rs778443017, ClinGen allele CA6777955.

ClinVar aggregate classification (germline): Uncertain significance (1 of 4 stars; one submission).

Allele frequency attached by ClinVar (database versions not stated): ExAC 0.00001; gnomAD 0.00001; gnomAD exomes 0.00001; TOPMed 0.00001.
gnomAD v4.1: 16 of 1,611,616 alleles (0.00099%); highest among the groups gnomAD compares: Non-Finnish European, 0.0013%; no homozygotes.

Submission:

Labcorp Genetics (formerly Invitae), Labcorp
Classification: Uncertain significance. Last evaluated: 2024-10-07. Review status: criteria provided, single submitter. Criteria: Invitae Variant Classification Sherloc (09022015). Collection method: clinical testing. Allele origin: germline.
Comment: This sequence change replaces isoleucine, which is neutral and non-polar, with valine, which is neutral and non-polar, at codon 563 of the UBE3B protein (p.Ile563Val). This variant is present in population databases (rs778443017, gnomAD 0.002%). This variant has not been reported in the literature in individuals affected with UBE3B-related conditions. Invitae Evidence Modeling of protein sequence and biophysical properties (such as structural, functional, and spatial information, amino acid conservation, physicochemical variation, residue mobility, and thermodynamic stability) indicates that this missense variant is not expected to disrupt UBE3B protein function with a negative predictive value of 80%. In summary, the available evidence is currently insufficient to determine the role of this variant in disease. Therefore, it has been classified as a Variant of Uncertain Significance.